The following is an entry in ClinVar:

NM_004407.4(DMP1):c.158G>A (p.Gly53Asp)

Genes: DMP1 (dentin matrix acidic phosphoprotein 1; plus strand), DMP1-AS1 (DMP1 and DSPP antisense RNA 1; minus strand). Cytogenetic location: 4q22.1.
Variant type: single nucleotide variant.
Coding change: c.158G>A on transcript NM_004407.4 (MANE Select); coding-DNA position 158, G replaced by A.
Protein change: p.Gly53Asp; replaces glycine 53 with aspartic acid.
Molecular consequence: missense variant. On other transcripts: intron variant (1).
Genome position (GRCh38, 1-based): chr4:87,659,453, G>A. VCF-style: chr4-87659453-G-A. GRCh37 (hg19) VCF-style: chr4-88580605-G-A.
Other names: c.135+201G>A (NM_001079911.3); short protein forms G53D.
Identifiers: ClinVar variation 1981928 (VCV001981928.4), dbSNP rs1474002509, ClinGen allele CA357697829.

ClinVar aggregate classification (germline): Uncertain significance (1 of 4 stars; one submission).

Allele frequency attached by ClinVar (database versions not stated): TOPMed below 0.00001.

Submission:

Labcorp Genetics (formerly Invitae), Labcorp
Classification: Uncertain significance. Last evaluated: 2022-07-29. Review status: criteria provided, single submitter. Criteria: Invitae Variant Classification Sherloc (09022015). Collection method: clinical testing. Allele origin: germline.
Comment: This sequence change replaces glycine, which is neutral and non-polar, with aspartic acid, which is acidic and polar, at codon 53 of the DMP1 protein (p.Gly53Asp). This variant is not present in population databases (gnomAD no frequency). This variant has not been reported in the literature in individuals affected with DMP1-related conditions. Algorithms developed to predict the effect of missense changes on protein structure and function output the following: SIFT: "Tolerated"; PolyPhen-2: "Benign"; Align-GVGD: "Class C0". The aspartic acid amino acid residue is found in multiple mammalian species, which suggests that this missense change does not adversely affect protein function. In summary, the available evidence is currently insufficient to determine the role of this variant in disease. Therefore, it has been classified as a Variant of Uncertain Significance.